The following is an entry in ClinVar:

NM_183357.3(ADCY5):c.3253G>A (p.Val1085Ile)

Gene: ADCY5 (adenylate cyclase 5; minus strand). Cytogenetic location: 3q21.1.
Variant type: single nucleotide variant.
Coding change: c.3253G>A on transcript NM_183357.3 (MANE Select); coding-DNA position 3253, G replaced by A.
Protein change: p.Val1085Ile; replaces valine 1085 with isoleucine.
Molecular consequence: missense variant.
Genome position (GRCh38, 1-based): chr3:123,291,187, C>T on the plus strand (G>A on the coding strand, the complement: ADCY5 is on the minus strand). VCF-style: chr3-123291187-C-T. GRCh37 (hg19) VCF-style: chr3-123010034-C-T.
Other names: c.2203G>A, p.Val735Ile (NM_001199642.1); c.3328G>A, p.Val1110Ile (NM_001378259.1); short protein forms V1085I, V1110I, V735I.
Identifiers: ClinVar variation 1209883 (VCV001209883.43), dbSNP rs149775261, ClinGen allele CA2576817.

ClinVar aggregate classification (germline): Conflicting classifications of pathogenicity. Review status: criteria provided, conflicting classifications (1 of 4 stars). 5 submissions from 5 submitters: Uncertain significance (2); Likely benign (1). 2 of the submissions do not count toward it. Last evaluated 2025-06-24.

Allele frequency attached by ClinVar (database versions not stated): ExAC 0.00031; gnomAD 0.00031; gnomAD exomes 0.00031 and 0.00069; TOPMed 0.00039; 1000 Genomes Project 0.00040; 1000 Genomes Project 30x 0.00062; ESP Exome Variant Server 0.00062.
gnomAD v4.1: 1,037 of 1,614,094 alleles (0.064%); highest among the groups gnomAD compares: Non-Finnish European, 0.083%; no homozygotes.

Submissions (5):

GeneDx
Classification: Uncertain significance. Last evaluated: 2025-06-24. Review status: criteria provided, single submitter. Criteria: GeneDx Variant Classification Process June 2021. Collection method: clinical testing. Allele origin: germline. Affected: yes.
Comment: In silico analysis supports that this missense variant does not alter protein structure/function; Has not been previously published as pathogenic or benign to our knowledge

Labcorp Genetics (formerly Invitae), Labcorp
Classification: Likely benign. Last evaluated: 2024-12-22. Review status: criteria provided, single submitter. Criteria: Invitae Variant Classification Sherloc (09022015). Collection method: clinical testing. Allele origin: germline.

CeGaT Center for Human Genetics Tuebingen
Classification: Uncertain significance. Last evaluated: 2022-10-01. Review status: criteria provided, single submitter. Criteria: CeGaT Center For Human Genetics Tuebingen Variant Classification Criteria Version 2. Collection method: clinical testing. Allele origin: germline. Affected: yes. Observed: 1 variant allele.
Comment: ADCY5: PP2

Clinical Genetics DNA and cytogenetics Diagnostics Lab, Erasmus MC, Erasmus Medical Center
Classification: Uncertain significance. Review status: no assertion criteria provided. Collection method: clinical testing. Allele origin: germline. Affected: yes. Study: VKGL Data-share Consensus. Not counted in ClinVar's aggregate classification.

Genome Diagnostics Laboratory, Amsterdam University Medical Center
Classification: Uncertain significance. Review status: no assertion criteria provided. Collection method: clinical testing. Allele origin: germline. Affected: yes. Study: VKGL Data-share Consensus. Not counted in ClinVar's aggregate classification.